The following is an entry in ClinVar:

ClinVar aggregate classification (germline): Pathogenic/Likely pathogenic. Review status: criteria provided, multiple submitters, no conflicts (2 of 4 stars). 3 submissions from 3 submitters: Pathogenic (1); Likely pathogenic (2). Last evaluated 2025-04-02.

Conditions:
Ogden syndrome (OGDNS). Also called: N-TERMINAL ACETYLTRANSFERASE DEFICIENCY. Identifiers: Orphanet 276432, MedGen C3275447, MONDO:0010457, OMIM 300855.

Submissions (3):

GeneDx
Classification: Pathogenic. Last evaluated: 2025-04-02. Review status: criteria provided, single submitter. Criteria: GeneDx Variant Classification Process June 2021. Collection method: clinical testing. Allele origin: germline. Affected: yes.
Comment: Not observed at significant frequency in large population cohorts (gnomAD); In silico analysis supports that this missense variant has a deleterious effect on protein structure/function; Has not been previously published as pathogenic or benign to our knowledge

3billion
Classification: Likely pathogenic for Ogden syndrome. Last evaluated: 2022-09-01. Review status: criteria provided, single submitter. Criteria: ACMG Guidelines, 2015. Collection method: clinical testing. Allele origin: germline. Affected: yes. Observed: 1 heterozygote.
Comment: The variant is not observed in the gnomAD v2.1.1 dataset. Missense changes are a common disease-causing mechanism. In silico tool predictions suggest damaging effect of the variant on gene or gene product (REVEL: 0.70; 3Cnet: 0.96). Same nucleotide change resulting in same amino acid change has been previously reported to be associated with NAA10-related disorder (ClinVar ID: VCV000804122). A different missense change at the same codon (p.Pro39Thr) has been reported to be associated with NAA10-related disorder (ClinVar ID: VCV000637034). Therefore, this variant is classified as Likely pathogenic according to the recommendation of ACMG/AMP guideline.

Mendelics
Classification: Likely pathogenic for Ogden syndrome. Last evaluated: 2019-05-28. Review status: criteria provided, single submitter. Criteria: Mendelics Assertion Criteria 2017. Collection method: clinical testing. Allele origin: unknown.

NM_003491.4(NAA10):c.116C>T (p.Pro39Leu)

Gene: NAA10 (N-alpha-acetyltransferase 10, NatA catalytic subunit; minus strand). Cytogenetic location: Xq28.
Variant type: single nucleotide variant.
Coding change: c.116C>T on transcript NM_003491.4 (MANE Select); coding-DNA position 116, C replaced by T.
Protein change: p.Pro39Leu; replaces proline 39 with leucine.
Molecular consequence: missense variant.
Genome position (GRCh38, 1-based): chrX:153,934,381, G>A on the plus strand (C>T on the coding strand, the complement: NAA10 is on the minus strand). VCF-style: chrX-153934381-G-A. GRCh37 (hg19) VCF-style: chrX-153199834-G-A.
Other names: c.116C>T, p.Pro39Leu (NM_001256119.2, NM_001256120.2); c.116C>T (NM_003491.3); short protein forms P39L.
Identifiers: ClinVar variation 804122 (VCV000804122.3), dbSNP rs1557107942, ClinGen allele CA415161717.